The following is an entry in ClinVar:

NM_030957.4(ADAMTS10):c.3303T>G (p.His1101Gln)

Gene: ADAMTS10 (ADAM metallopeptidase with thrombospondin type 1 motif 10; minus strand). Cytogenetic location: 19p13.2.
Variant type: single nucleotide variant.
Coding change: c.3303T>G on transcript NM_030957.4 (MANE Select); coding-DNA position 3303, T replaced by G.
Protein change: p.His1101Gln; replaces histidine 1101 with glutamine.
Molecular consequence: missense variant.
Genome position (GRCh38, 1-based): chr19:8,580,902, A>C on the plus strand (T>G on the coding strand, the complement: ADAMTS10 is on the minus strand). VCF-style: chr19-8580902-A-C. GRCh37 (hg19) VCF-style: chr19-8645786-A-C.
Other names: c.1764T>G, p.His588Gln (NM_001282352.2); short protein forms H1101Q, H588Q.
Identifiers: ClinVar variation 518307 (VCV000518307.19), dbSNP rs7252299, ClinGen allele CA9159943.

ClinVar aggregate classification (germline): Benign. Review status: criteria provided, multiple submitters, no conflicts (2 of 4 stars). 8 submissions from 8 submitters: Benign (6). 2 of the submissions do not count toward it. Last evaluated 2026-02-04.

Conditions:
Weill-Marchesani syndrome 1 (WMS1). Also called: Weill-Marchesani Syndrome, Autosomal Recessive; Weill-Marchesani syndrome 1, recessive; ADAMTS10-Related Weill-Marchesani Syndrome. Identifiers: Orphanet 3449, MedGen C4552002, MONDO:0010194, OMIM 277600.

Allele frequency attached by ClinVar (database versions not stated): gnomAD exomes 0.99978; 1000 Genomes Project 0.99980; 1000 Genomes Project 30x 0.99984; ESP Exome Variant Server 0.99985; gnomAD 0.99986; ExAC 0.99989; TOPMed 0.99989.
gnomAD v4.1: 1,609,119 of 1,609,488 alleles (100%); highest among the groups gnomAD compares: Middle Eastern, 100%; 804,375 homozygotes.

Submissions (8):

Labcorp Genetics (formerly Invitae), Labcorp
Classification: Benign. Last evaluated: 2026-02-04. Review status: criteria provided, single submitter. Criteria: Invitae Variant Classification Sherloc (09022015). Collection method: clinical testing. Allele origin: germline.

Blueprint Genetics
Classification: Benign. Last evaluated: 2024-11-28. Review status: criteria provided, single submitter. Criteria: ACMG Guidelines, 2015. Collection method: clinical testing. Allele origin: germline.

Genome-Nilou Lab
Classification: Benign for Weill-Marchesani syndrome 1. Last evaluated: 2021-07-14. Review status: criteria provided, single submitter. Criteria: ACMG Guidelines, 2015. Collection method: clinical testing. Allele origin: germline. Affected: no.

Mendelics
Classification: Benign for Weill-Marchesani syndrome 1. Last evaluated: 2019-05-28. Review status: criteria provided, single submitter. Criteria: Mendelics Assertion Criteria 2017. Collection method: clinical testing. Allele origin: unknown.

GeneDx
Classification: Benign. Last evaluated: 2018-04-19. Review status: criteria provided, single submitter. Criteria: GeneDx Variant Classification (06012015). Collection method: clinical testing. Allele origin: germline. Affected: yes.
Comment: This variant is considered likely benign or benign based on one or more of the following criteria: it is a conservative change, it occurs at a poorly conserved position in the protein, it is predicted to be benign by multiple in silico algorithms, and/or has population frequency not consistent with disease.

Breakthrough Genomics
Classification: Benign. Review status: criteria provided, single submitter. Criteria: ACMG Guidelines, 2015. Collection method: not provided. Allele origin: germline. Inheritance: Autosomal recessive inheritance. Affected: yes.

Genome Diagnostics Laboratory, Amsterdam University Medical Center
Classification: Benign for Weill-Marchesani syndrome 1. Last evaluated: 2015-02-20. Review status: no assertion criteria provided. Criteria: ACGS Guidelines, 2013. Collection method: clinical testing. Allele origin: germline. Affected: yes. Study: VKGL Data-share Consensus. Not counted in ClinVar's aggregate classification.

Diagnostic Laboratory, Department of Genetics, University Medical Center Groningen
Classification: Benign for Weill-Marchesani syndrome 1. Review status: no assertion criteria provided. Collection method: clinical testing. Allele origin: germline. Affected: yes. Study: VKGL Data-share Consensus. Not counted in ClinVar's aggregate classification.